The following is an entry in ClinVar:

NM_030957.4(ADAMTS10):c.810+1G>A

Gene: ADAMTS10 (ADAM metallopeptidase with thrombospondin type 1 motif 10; minus strand). Cytogenetic location: 19p13.2.
Variant type: single nucleotide variant.
Coding change: c.810+1G>A on transcript NM_030957.4 (MANE Select); the canonical splice donor site of the intron after coding-DNA position 810, G replaced by A.
Molecular consequence: splice donor variant.
Genome position (GRCh38, 1-based): chr19:8,600,927, C>T on the plus strand (G>A on the coding strand, the complement: ADAMTS10 is on the minus strand). VCF-style: chr19-8600927-C-T. GRCh37 (hg19) VCF-style: chr19-8665811-C-T.
Identifiers: ClinVar variation 1946 (VCV000001946.5), dbSNP rs387906266, ClinGen allele CA251984.

ClinVar aggregate classification (germline): Likely pathogenic. Review status: criteria provided, multiple submitters, no conflicts (2 of 4 stars). 3 submissions from 3 submitters: Likely pathogenic (2). 1 of the submissions does not count toward it. Last evaluated 2023-01-12.

Conditions:
ADAMTS10-related disorder. Also called: ADAMTS10-related condition.
Weill-Marchesani syndrome 1 (WMS1). Also called: ADAMTS10-Related Weill-Marchesani Syndrome; Weill-Marchesani syndrome 1, recessive; Weill-Marchesani Syndrome, Autosomal Recessive. Identifiers: Orphanet 3449, MedGen C4552002, MONDO:0010194, OMIM 277600.

Allele frequency attached by ClinVar (database versions not stated): gnomAD exomes below 0.00001; ExAC 0.00001; gnomAD 0.00001.
gnomAD v4.1: 4 of 1,613,964 alleles (0.00025%); highest among the groups gnomAD compares: Non-Finnish European, 0.00017%; no homozygotes.

Submissions (3):

Labcorp Genetics (formerly Invitae), Labcorp
Classification: Likely pathogenic. Last evaluated: 2023-01-12. Review status: criteria provided, single submitter. Criteria: Invitae Variant Classification Sherloc (09022015). Collection method: clinical testing. Allele origin: germline.
Comment: This sequence change affects a donor splice site in intron 6 of the ADAMTS10 gene. It is expected to disrupt RNA splicing. Variants that disrupt the donor or acceptor splice site typically lead to a loss of protein function (PMID: 16199547), and loss-of-function variants in ADAMTS10 are known to be pathogenic (PMID: 15368195, 18567016). This variant is present in population databases (rs387906266, gnomAD 0.01%). Disruption of this splice site has been observed in individual(s) with Weill-Marchesani syndrome (PMID: 15368195). ClinVar contains an entry for this variant (Variation ID: 1946). Algorithms developed to predict the effect of sequence changes on RNA splicing suggest that this variant may disrupt the consensus splice site. In summary, the currently available evidence indicates that the variant is pathogenic, but additional data are needed to prove that conclusively. Therefore, this variant has been classified as Likely Pathogenic.

Blueprint Genetics
Classification: Likely pathogenic for ADAMTS10-related disorders. Last evaluated: 2020-11-25. Review status: criteria provided, single submitter. Criteria: ACMG Guidelines, 2015. Collection method: clinical testing. Allele origin: germline. Affected: yes. Observed: 1 variant allele.

OMIM
Classification: Pathogenic for WEILL-MARCHESANI SYNDROME 1. Last evaluated: 2004-11-01. Review status: no assertion criteria provided. Collection method: literature only. Allele origin: germline. Not counted in ClinVar's aggregate classification.

Literature cited by the submitters: PubMed 16199547 (cited by Labcorp Genetics (formerly Invitae), Labcorp); PubMed 15368195 (cited by Labcorp Genetics (formerly Invitae), Labcorp and OMIM); PubMed 18567016 (cited by Labcorp Genetics (formerly Invitae), Labcorp).